The following is an entry in ClinVar:

ClinVar aggregate classification (germline): Uncertain significance (1 of 4 stars; one submission).

Conditions:
Hypokalemic periodic paralysis, type 1. Also called: Hypokalemic Periodic Paralysis Type 1 (AD); HypoPP. Identifiers: Orphanet 681, MedGen C3714580, MONDO:0042979, OMIM 170400.
Malignant hyperthermia, susceptibility to, 5 (MHS5). Also called: CACNA1S-Related Malignant Hyperthermia Susceptibility. Identifiers: Orphanet 423, MedGen C1866077, MONDO:0011163, OMIM 601887.

gnomAD v4.1: 2 of 1,614,176 alleles (0.00012%); highest among the groups gnomAD compares: South Asian, 0.0011%; no homozygotes.

Submission:

Labcorp Genetics (formerly Invitae), Labcorp
Classification: Uncertain significance for Hypokalemic periodic paralysis, type 1; Malignant hyperthermia, susceptibility to, 5. Last evaluated: 2020-11-19. Review status: criteria provided, single submitter. Criteria: Invitae Variant Classification Sherloc (09022015). Collection method: clinical testing. Allele origin: germline.
Comment: This sequence change replaces leucine with valine at codon 548 of the CACNA1S protein (p.Leu548Val). The leucine residue is highly conserved and there is a small physicochemical difference between leucine and valine. This variant is not present in population databases (ExAC no frequency). This variant has not been reported in the literature in individuals with CACNA1S-related conditions. Algorithms developed to predict the effect of missense changes on protein structure and function (SIFT, PolyPhen-2, Align-GVGD) all suggest that this variant is likely to be disruptive, but these predictions have not been confirmed by published functional studies and their clinical significance is uncertain. In summary, the available evidence is currently insufficient to determine the role of this variant in disease. Therefore, it has been classified as a Variant of Uncertain Significance.

NM_000069.3(CACNA1S):c.1642C>G (p.Leu548Val)

Gene: CACNA1S (calcium voltage-gated channel subunit alpha1 S; minus strand). Cytogenetic location: 1q32.1.
Variant type: single nucleotide variant.
Coding change: c.1642C>G on transcript NM_000069.3 (MANE Select); coding-DNA position 1642, C replaced by G.
Protein change: p.Leu548Val; replaces leucine 548 with valine.
Molecular consequence: missense variant.
Genome position (GRCh38, 1-based): chr1:201,077,105, G>C on the plus strand (C>G on the coding strand, the complement: CACNA1S is on the minus strand). VCF-style: chr1-201077105-G-C. GRCh37 (hg19) VCF-style: chr1-201046233-G-C.
Other names: short protein forms L548V.
Identifiers: ClinVar variation 1402842 (VCV001402842.8), dbSNP rs940478189, ClinGen allele CA344120603.
Genomic context (GRCh38, chr1:201,077,105, plus strand): 5'-GGAAGAGCAGCAGCAGCAGGGAGGCGATGGAGCGGATGGAGTTGAGCAGGGATGCCACCA[G>C]GTTGCTCAGCGACGTCCAATATCTGAAGGAAGAGGAGGCACAAGGTGGGAGGAGACAGAC-3'
Protein context (NP_000060.2, residues 538-558): ITKYWTSLSN[Leu548Val]VASLLNSIRS